The following is an entry in ClinVar:

ClinVar aggregate classification (germline): Uncertain significance. Review status: criteria provided, multiple submitters, no conflicts (2 of 4 stars). 2 submissions from 2 submitters: Uncertain significance (2). Last evaluated 2025-08-14.

Conditions:
Inborn genetic diseases. Identifiers: MedGen C0950123, MeSH D030342.

Submissions (2):

Ambry Genetics
Classification: Uncertain significance for Inborn genetic diseases. Last evaluated: 2025-08-14. Review status: criteria provided, single submitter. Criteria: Ambry Variant Classification Scheme 2023. Collection method: clinical testing. Allele origin: germline.

Labcorp Genetics (formerly Invitae), Labcorp
Classification: Uncertain significance. Last evaluated: 2022-04-08. Review status: criteria provided, single submitter. Criteria: Invitae Variant Classification Sherloc (09022015). Collection method: clinical testing. Allele origin: germline.
Comment: This sequence change replaces aspartic acid, which is acidic and polar, with asparagine, which is neutral and polar, at codon 2653 of the DCHS1 protein (p.Asp2653Asn). This variant is not present in population databases (gnomAD no frequency). This variant has not been reported in the literature in individuals affected with DCHS1-related conditions. Advanced modeling of protein sequence and biophysical properties (such as structural, functional, and spatial information, amino acid conservation, physicochemical variation, residue mobility, and thermodynamic stability) performed at Invitae indicates that this missense variant is not expected to disrupt DCHS1 protein function. In summary, the available evidence is currently insufficient to determine the role of this variant in disease. Therefore, it has been classified as a Variant of Uncertain Significance.

NM_003737.4(DCHS1):c.7957G>A (p.Asp2653Asn)

Gene: DCHS1 (dachsous cadherin-related 1; minus strand). Cytogenetic location: 11p15.4.
Variant type: single nucleotide variant.
Coding change: c.7957G>A on transcript NM_003737.4 (MANE Select); coding-DNA position 7957, G replaced by A.
Protein change: p.Asp2653Asn; replaces aspartic acid 2653 with asparagine.
Molecular consequence: missense variant.
Genome position (GRCh38, 1-based): chr11:6,623,719, C>T on the plus strand (G>A on the coding strand, the complement: DCHS1 is on the minus strand). VCF-style: chr11-6623719-C-T. GRCh37 (hg19) VCF-style: chr11-6644950-C-T.
Other names: c.7957G>A (NM_003737.2); short protein forms D2653N.
Identifiers: ClinVar variation 2092784 (VCV002092784.5), dbSNP rs1855744618, ClinGen allele CA379482022.